The following is an entry in ClinVar:

NM_006907.4(PYCR1):c.*272G>A

Gene: PYCR1 (pyrroline-5-carboxylate reductase 1; minus strand). Cytogenetic location: 17q25.3.
Variant type: single nucleotide variant.
Coding change: c.*272G>A on transcript NM_006907.4 (MANE Select); 272 bases downstream of the stop codon, G replaced by A.
Molecular consequence: 3 prime UTR variant. On other transcripts: missense variant (1).
Genome position (GRCh38, 1-based): chr17:81,932,942, C>T on the plus strand (G>A on the coding strand, the complement: PYCR1 is on the minus strand). VCF-style: chr17-81932942-C-T. GRCh37 (hg19) VCF-style: chr17-79890818-C-T.
Other names: c.*272G>A (NM_001282279.2, NM_001282280.2, NM_001282281.2); c.*414G>A (NM_001330523.2); c.889G>A, p.Gly297Arg (NM_153824.3); short protein forms G297R.
Identifiers: ClinVar variation 325898 (VCV000325898.8), dbSNP rs3744807, ClinGen allele CA8845194.

ClinVar aggregate classification (germline): Benign. Review status: criteria provided, multiple submitters, no conflicts (2 of 4 stars). 3 submissions from 3 submitters: Benign (3). Last evaluated 2018-07-26.

Conditions:
Cutis laxa. Identifiers: Orphanet 209, MedGen C0010495, MONDO:0016175, HP:0000973.

Allele frequency attached by ClinVar (database versions not stated): gnomAD 0.00977 and 0.01013; TOPMed 0.01464; ESP Exome Variant Server 0.00277; gnomAD exomes 0.00426; ExAC 0.01468; 1000 Genomes Project 0.01857; 1000 Genomes Project 30x 0.01921.
gnomAD v4.1: 7,755 of 1,611,660 alleles (0.48%); highest among the groups gnomAD compares: Admixed American, 7%; 229 homozygotes.

Submissions (3):

GeneDx
Classification: Benign. Last evaluated: 2018-07-26. Review status: criteria provided, single submitter. Criteria: GeneDx Variant Classification Process June 2021. Collection method: clinical testing. Allele origin: germline. Affected: yes.

Illumina Laboratory Services, Illumina
Classification: Benign for Cutis laxa. Last evaluated: 2018-01-13. Review status: criteria provided, single submitter. Criteria: ICSL Variant Classification Criteria 13 December 2019. Collection method: clinical testing. Allele origin: germline.
Comment: This variant was observed in the ICSL laboratory as part of a predisposition screen in an ostensibly healthy population. It had not been previously curated by ICSL or reported in the Human Gene Mutation Database (HGMD: prior to June 1st, 2018), and was therefore a candidate for classification through an automated scoring system. Utilizing variant allele frequency, disease prevalence and penetrance estimates, and inheritance mode, an automated score was calculated to assess if this variant is too frequent to cause the disease. Based on the score and internal cut-off values, a variant classified as benign is not then subjected to further curation. The score for this variant resulted in a classification of benign for this disease.

Breakthrough Genomics
Classification: Benign. Review status: criteria provided, single submitter. Criteria: ACMG Guidelines, 2015. Collection method: not provided. Allele origin: germline. Inheritance: Autosomal recessive inheritance. Affected: yes.